The following is an entry in ClinVar:

ClinVar aggregate classification (germline): Benign (1 of 4 stars; one submission).

Allele frequency attached by ClinVar (database versions not stated): gnomAD exomes 0.14740; ESP Exome Variant Server 0.16685; ExAC 0.18383; gnomAD 0.18779; 1000 Genomes Project 0.19828; 1000 Genomes Project 30x 0.20019; TOPMed 0.20140.
gnomAD v4.1: 211,985 of 1,393,032 alleles (15%); highest among the groups gnomAD compares: Admixed American, 35%; 18,278 homozygotes.

Submission:

Unidad de Genómica Garrahan, Hospital de Pediatría Garrahan
Classification: Benign. Last evaluated: 2024-01-24. Review status: criteria provided, single submitter. Criteria: ACMG Guidelines, 2015. Collection method: clinical testing. Allele origin: germline. Affected: no. Observed: 57 variant alleles.
Comment: This variant is classified as Benign based on local population frequency. This variant was detected in 60% of patients studied by a panel of primary immunodeficiencies. Number of patients: 57. Only high quality variants are reported.

NM_003177.7(SYK):c.1581+47G>A

Gene: SYK (spleen associated tyrosine kinase; plus strand). Cytogenetic location: 9q22.2.
Variant type: single nucleotide variant.
Coding change: c.1581+47G>A on transcript NM_003177.7 (MANE Select); 47 bases into the intron after coding-DNA position 1581, G replaced by A.
Molecular consequence: intron variant.
Genome position (GRCh38, 1-based): chr9:90,879,000, G>A. VCF-style: chr9-90879000-G-A. GRCh37 (hg19) VCF-style: chr9-93641282-G-A.
Other names: c.1512+47G>A (NM_001174168.3, NM_001135052.4); c.1581+47G>A (NM_001174167.3).
Identifiers: ClinVar variation 2688074 (VCV002688074.2), dbSNP rs2306039, ClinGen allele CA5119527.
Genomic context (GRCh38, chr9:90,879,000, plus strand): 5'-AAAACTACTACAAGGTAAGTACAACTTAGCTAATATTCAGAGCAGCAGGTGGTAAAAAAT[G>A]CAAGATAAATGTACGTTTTCTTTATTTTATTATTGGTATGGTTTCAAAAAGCAGTTTTGC-3'